The following is an entry in ClinVar:

ClinVar aggregate classification (germline): Pathogenic/Likely pathogenic. Review status: criteria provided, multiple submitters, no conflicts (2 of 4 stars). 2 submissions from 2 submitters: Pathogenic (1); Likely pathogenic (1). Last evaluated 2025-12-17.

Submissions (2):

Labcorp Genetics (formerly Invitae), Labcorp
Classification: Pathogenic. Last evaluated: 2025-12-17. Review status: criteria provided, single submitter. Criteria: Invitae Variant Classification Sherloc (09022015). Collection method: clinical testing. Allele origin: germline.
Comment: This sequence change replaces proline, which is neutral and non-polar, with arginine, which is basic and polar, at codon 276 of the COMP protein (p.Pro276Arg). This variant is present in population databases (no rsID available, gnomAD 0.006%). This missense change has been observed in individual(s) with multiple epiphyseal dysplasia (PMID: 11565064, 15756302). It has also been observed to segregate with disease in related individuals. ClinVar contains an entry for this variant (Variation ID: 2736859). Invitae Evidence Modeling of protein sequence and biophysical properties (such as structural, functional, and spatial information, amino acid conservation, physicochemical variation, residue mobility, and thermodynamic stability) indicates that this missense variant is expected to disrupt COMP protein function with a positive predictive value of 80%. Experimental studies are conflicting or provide insufficient evidence to determine the effect of this variant on COMP function (PMID: 17570134). For these reasons, this variant has been classified as Pathogenic.

GeneDx
Classification: Likely pathogenic. Last evaluated: 2024-02-06. Review status: criteria provided, single submitter. Criteria: GeneDx Variant Classification Process June 2021. Collection method: clinical testing. Allele origin: germline. Affected: yes.
Comment: In silico analysis supports that this missense variant has a deleterious effect on protein structure/function; This variant is associated with the following publications: (PMID: 17570134, 36012514, 11565064, 21922596, 18193163)

Literature cited by the submitters: PubMed 11565064 (cited by Labcorp Genetics (formerly Invitae), Labcorp); PubMed 15756302 (cited by Labcorp Genetics (formerly Invitae), Labcorp); PubMed 17570134 (cited by Labcorp Genetics (formerly Invitae), Labcorp).

NM_000095.3(COMP):c.827C>G (p.Pro276Arg)

Gene: COMP (cartilage oligomeric matrix protein; minus strand). Cytogenetic location: 19p13.11.
Variant type: single nucleotide variant.
Coding change: c.827C>G on transcript NM_000095.3 (MANE Select); coding-DNA position 827, C replaced by G.
Protein change: p.Pro276Arg; replaces proline 276 with arginine.
Molecular consequence: missense variant.
Genome position (GRCh38, 1-based): chr19:18,788,450, G>C on the plus strand (C>G on the coding strand, the complement: COMP is on the minus strand). VCF-style: chr19-18788450-G-C. GRCh37 (hg19) VCF-style: chr19-18899259-G-C.
Other names: c.827C>G (NM_000095.2); short protein forms P276R.
Identifiers: ClinVar variation 2736859 (VCV002736859.4), dbSNP rs1311845746, ClinGen allele CA404892568.